The following is an entry in ClinVar:

NM_021930.6(RINT1):c.1859A>T (p.Asp620Val)

Gene: RINT1 (RAD50 interactor 1; plus strand). Cytogenetic location: 7q22.3.
Variant type: single nucleotide variant.
Coding change: c.1859A>T on transcript NM_021930.6 (MANE Select); coding-DNA position 1859, A replaced by T.
Protein change: p.Asp620Val; replaces aspartic acid 620 with valine.
Molecular consequence: missense variant. On other transcripts: non-coding transcript variant (1).
Genome position (GRCh38, 1-based): chr7:105,563,920, A>T. VCF-style: chr7-105563920-A-T. GRCh37 (hg19) VCF-style: chr7-105204367-A-T.
Other names: c.1625A>T, p.Asp542Val (NM_001346599.2); c.836A>T, p.Asp279Val (NM_001346600.2, NM_001346603.2); c.935A>T, p.Asp312Val (NM_001346601.2); short protein forms D312V, D620V, D279V, D542V.
Identifiers: ClinVar variation 1416475 (VCV001416475.11), dbSNP rs1044847636, ClinGen allele CA164066750.

ClinVar aggregate classification (germline): Uncertain significance. Review status: criteria provided, multiple submitters, no conflicts (2 of 4 stars). 2 submissions from 2 submitters: Uncertain significance (2). Last evaluated 2025-02-26.

Allele frequency attached by ClinVar (database versions not stated): TOPMed below 0.00001.

Submissions (2):

Ambry Genetics
Classification: Uncertain significance. Last evaluated: 2025-02-26. Review status: criteria provided, single submitter. Criteria: Ambry Variant Classification Scheme 2023. Collection method: clinical testing. Allele origin: germline.
Comment: The p.D620V variant (also known as c.1859A>T), located in coding exon 12 of the RINT1 gene, results from an A to T substitution at nucleotide position 1859. The aspartic acid at codon 620 is replaced by valine, an amino acid with highly dissimilar properties. This amino acid position is not well conserved in available vertebrate species. In addition, this alteration is predicted to be tolerated by in silico analysis. Since supporting evidence is limited at this time, the clinical significance of this alteration remains unclear.

Labcorp Genetics (formerly Invitae), Labcorp
Classification: Uncertain significance. Last evaluated: 2023-08-11. Review status: criteria provided, single submitter. Criteria: Invitae Variant Classification Sherloc (09022015). Collection method: clinical testing. Allele origin: germline.
Comment: In summary, the available evidence is currently insufficient to determine the role of this variant in disease. Therefore, it has been classified as a Variant of Uncertain Significance. This sequence change replaces aspartic acid, which is acidic and polar, with valine, which is neutral and non-polar, at codon 620 of the RINT1 protein (p.Asp620Val). This variant is not present in population databases (gnomAD no frequency). This variant has not been reported in the literature in individuals affected with RINT1-related conditions. ClinVar contains an entry for this variant (Variation ID: 1416475). An algorithm developed to predict the effect of missense changes on protein structure and function (PolyPhen-2) suggests that this variant is likely to be tolerated.